The following is an entry in ClinVar:

NM_032387.5(WNK4):c.3088C>A (p.Pro1030Thr)

Gene: WNK4 (WNK lysine deficient protein kinase 4; plus strand). Cytogenetic location: 17q21.2.
Variant type: single nucleotide variant.
Coding change: c.3088C>A on transcript NM_032387.5 (MANE Select); coding-DNA position 3088, C replaced by A.
Protein change: p.Pro1030Thr; replaces proline 1030 with threonine.
Molecular consequence: missense variant.
Genome position (GRCh38, 1-based): chr17:42,795,690, C>A. VCF-style: chr17-42795690-C-A. GRCh37 (hg19) VCF-style: chr17-40947708-C-A.
Other names: c.2080C>A, p.Pro694Thr (NM_001321299.2); short protein forms P1030T, P694T.
Identifiers: ClinVar variation 3634632 (VCV003634632.2).
Genomic context (GRCh38, chr17:42,795,690, plus strand): 5'-AAGCCGCAGCTTGTTGGGCGTTTCCAAGTGACTTCATCCAAGGAACCGGCTGAGCCTCTT[C>A]CCTTGCAGCCAACATCCCCCACTCTCTCTGGTTCTCCAAAACCTTCAACCCCTCAGCTCA-3'
Protein context (NP_115763.2, residues 1020-1040): TSSKEPAEPL[Pro1030Thr]LQPTSPTLSG

ClinVar aggregate classification (germline): Uncertain significance (1 of 4 stars; one submission).

gnomAD v4.1: 2 of 1,613,292 alleles (0.00012%); highest among the groups gnomAD compares: Non-Finnish European, 0.00017%; no homozygotes.

Submission:

Labcorp Genetics (formerly Invitae), Labcorp
Classification: Uncertain significance. Last evaluated: 2025-01-20. Review status: criteria provided, single submitter. Criteria: Invitae Variant Classification Sherloc (09022015). Collection method: clinical testing. Allele origin: germline.
Comment: This sequence change replaces proline, which is neutral and non-polar, with threonine, which is neutral and polar, at codon 1030 of the WNK4 protein (p.Pro1030Thr). This variant is not present in population databases (gnomAD no frequency). This variant has not been reported in the literature in individuals affected with WNK4-related conditions. Invitae Evidence Modeling of protein sequence and biophysical properties (such as structural, functional, and spatial information, amino acid conservation, physicochemical variation, residue mobility, and thermodynamic stability) indicates that this missense variant is not expected to disrupt WNK4 protein function with a negative predictive value of 95%. In summary, the available evidence is currently insufficient to determine the role of this variant in disease. Therefore, it has been classified as a Variant of Uncertain Significance.